The following is an entry in ClinVar:

NM_032119.4(ADGRV1):c.2601A>G (p.Glu867=)

Gene: ADGRV1 (adhesion G protein-coupled receptor V1; plus strand). Cytogenetic location: 5q14.3.
Variant type: single nucleotide variant.
Coding change: c.2601A>G on transcript NM_032119.4 (MANE Select); coding-DNA position 2601, A replaced by G.
Protein change: p.Glu867=; no amino-acid change (glutamic acid 867 retained).
Molecular consequence: synonymous variant. On other transcripts: non-coding transcript variant (1).
Genome position (GRCh38, 1-based): chr5:90,643,850, A>G. VCF-style: chr5-90643850-A-G. GRCh37 (hg19) VCF-style: chr5-89939667-A-G.
Identifiers: ClinVar variation 3029418 (VCV003029418.2), dbSNP rs1157887431, ClinGen allele CA445408704.
Genomic context (GRCh38, chr5:90,643,850, plus strand): 5'-ACATTCACTTTAGTTGGATGAACACTACTGGGTGGTCCTCAGCAGCCACGGAGAACGGGA[A>G]AGCAAGTTGGGAAGTGCCACCATTGTCAATATAACGATTCTGAAAAATGATGATCCTCAT-3'
Protein context (NP_115495.3, residues 857-877): WVVLSSHGER[Glu867=]SKLGSATIVN

ClinVar aggregate classification (germline): Likely benign (0 of 4 stars; one submission).

Conditions:
ADGRV1-related disorder. Also called: ADGRV1-related condition; ADGRV1-related disorders.

Allele frequency attached by ClinVar (database versions not stated): gnomAD 0.00001.
gnomAD v4.1: 1 of 1,611,202 alleles (0.000062%); highest among the groups gnomAD compares: East Asian, 0.0022%; no homozygotes.

Submission:

PreventionGenetics, part of Exact Sciences
Classification: Likely benign for ADGRV1-related condition. Last evaluated: 2022-02-21. Review status: no assertion criteria provided. Collection method: clinical testing. Allele origin: germline.
Comment: This variant is classified as likely benign based on ACMG/AMP sequence variant interpretation guidelines (Richards et al. 2015 PMID: 25741868, with internal and published modifications).